The following is an entry in ClinVar:

ClinVar aggregate classification (germline): Uncertain significance (1 of 4 stars; one submission).

Conditions:
Inborn genetic diseases. Identifiers: MedGen C0950123, MeSH D030342.

gnomAD v4.1: 1 of 1,605,818 alleles (0.000062%); highest among the groups gnomAD compares: Non-Finnish European, 0.000085%; no homozygotes.

Submission:

Ambry Genetics
Classification: Uncertain significance for Inborn genetic diseases. Last evaluated: 2025-10-21. Review status: criteria provided, single submitter. Criteria: Ambry Variant Classification Scheme 2023. Collection method: clinical testing. Allele origin: germline.
Comment: The p.H229Q variant (also known as c.687T>A), located in coding exon 5 of the ANKRD26 gene, results from a T to A substitution at nucleotide position 687. The histidine at codon 229 is replaced by glutamine, an amino acid with highly similar properties. This amino acid position is conserved. In addition, this alteration is predicted to be tolerated by in silico analysis. Based on the available evidence, the clinical significance of this variant remains unclear.

NM_014915.3(ANKRD26):c.687T>A (p.His229Gln)

Gene: ANKRD26 (ankyrin repeat domain 26; minus strand). Cytogenetic location: 10p12.1.
Variant type: single nucleotide variant.
Coding change: c.687T>A on transcript NM_014915.3 (MANE Select); coding-DNA position 687, T replaced by A.
Protein change: p.His229Gln; replaces histidine 229 with glutamine.
Molecular consequence: missense variant.
Genome position (GRCh38, 1-based): chr10:27,086,561, A>T on the plus strand (T>A on the coding strand, the complement: ANKRD26 is on the minus strand). VCF-style: chr10-27086561-A-T. GRCh37 (hg19) VCF-style: chr10-27375490-A-T.
Other names: c.687T>A, p.His229Gln (NM_001256053.2); short protein forms H229Q.
Identifiers: ClinVar variation 4579549 (VCV004579549.1).